The following is an entry in ClinVar:

NM_001009944.3(PKD1):c.1850-4A>G

Gene: PKD1 (polycystin 1, transient receptor potential channel interacting; minus strand). Cytogenetic location: 16p13.3.
Variant type: single nucleotide variant.
Coding change: c.1850-4A>G on transcript NM_001009944.3 (MANE Select); 4 bases into the intron before coding-DNA position 1850, A replaced by G.
Molecular consequence: intron variant.
Genome position (GRCh38, 1-based): chr16:2,115,629, T>C on the plus strand (A>G on the coding strand, the complement: PKD1 is on the minus strand). VCF-style: chr16-2115629-T-C. GRCh37 (hg19) VCF-style: chr16-2165630-T-C.
Other names: p.?; c.1850-4A>G (NM_000296.4).
Identifiers: ClinVar variation 256929 (VCV000256929.22), dbSNP rs35929659, ClinGen allele CA7833365.

ClinVar aggregate classification (germline): Benign. Review status: criteria provided, multiple submitters, no conflicts (2 of 4 stars). 9 submissions from 9 submitters: Benign (8). 1 of the submissions does not count toward it. Last evaluated 2025-04-25.

Conditions:
Autosomal dominant polycystic kidney disease. Identifiers: Orphanet 730, MedGen C0085413, MONDO:0004691.
Polycystic kidney disease, adult type (PKD1). Also called: Polycystic Kidney, Autosomal Dominant; Polycystic Kidney Disease 1, Autosomal Dominant; Polycystic kidney disease 1; Polycystic kidney disease 1, severe; POLYCYSTIC KIDNEY DISEASE 1 WITH OR WITHOUT POLYCYSTIC LIVER DISEASE; POLYCYSTIC KIDNEY DISEASE, ADULT, TYPE I. Identifiers: MedGen C3149841, MONDO:0008263, OMIM 173900.
Polycystic kidney disease. Also called: Polycystic kidney dysplasia; Kidney, Polycystic. Identifiers: MedGen C0022680, MeSH D007690, MONDO:0020642, HP:0000113.

Allele frequency attached by ClinVar (database versions not stated): gnomAD exomes 0.15462; ExAC 0.18833; 1000 Genomes Project 30x 0.22470; 1000 Genomes Project 0.22664; ESP Exome Variant Server 0.22783; gnomAD 0.25570 and 0.26721; TOPMed 0.26640.
gnomAD v4.1: 281,282 of 1,579,892 alleles (18%); highest among the groups gnomAD compares: African/African-American, 48%; 31,130 homozygotes.

Submissions (9):

Women's Health and Genetics/Laboratory Corporation of America, LabCorp
Classification: Benign. Last evaluated: 2025-04-25. Review status: criteria provided, single submitter. Criteria: LabCorp Variant Classification Summary - May 2015. Collection method: clinical testing. Allele origin: germline.

Blueprint Genetics
Classification: Benign. Last evaluated: 2024-11-27. Review status: criteria provided, single submitter. Criteria: ACMG Guidelines, 2015. Collection method: clinical testing. Allele origin: germline.

Mayo Clinic Laboratories, Mayo Clinic
Classification: Benign. Last evaluated: 2022-04-26. Review status: criteria provided, single submitter. Criteria: ACMG Guidelines, 2015. Collection method: clinical testing. Allele origin: germline. Observed: 292 variant alleles.

ARUP Laboratories, Molecular Genetics and Genomics, ARUP Laboratories
Classification: Benign for Polycystic kidney disease, adult type. Last evaluated: 2020-07-07. Review status: criteria provided, single submitter. Criteria: ARUP Molecular Germline Variant Investigation Process. Collection method: clinical testing. Allele origin: germline.

GeneDx
Classification: Benign. Last evaluated: 2019-09-25. Review status: criteria provided, single submitter. Criteria: GeneDx Variant Classification Process June 2021. Collection method: clinical testing. Allele origin: germline. Affected: yes.
Comment: This variant is associated with the following publications: (PMID: 17574468, 22008521, 22383692, 22608885, 18837007)

Molecular Genetics of Inherited Kidney Disorders Laboratory, Garvan Institute of Medical Research
Classification: Benign for Autosomal dominant polycystic kidney disease. Last evaluated: 2019-01-01. Review status: criteria provided, single submitter. Criteria: ACMG Guidelines, 2015. Collection method: research. Allele origin: germline. Affected: yes.

Breakthrough Genomics
Classification: Benign. Review status: criteria provided, single submitter. Criteria: ACMG Guidelines, 2015. Collection method: not provided. Allele origin: germline. Inheritance: Autosomal dominant inheritance. Affected: yes.

PreventionGenetics, part of Exact Sciences
Classification: Benign. Review status: criteria provided, single submitter. Criteria: ACMG Guidelines, 2015. Collection method: clinical testing. Allele origin: germline.

Department of Pathology and Laboratory Medicine, Sinai Health System
Classification: Benign for Polycystic Kidney disease. Review status: no assertion criteria provided. Collection method: clinical testing. Allele origin: unknown. Affected: yes. Observed: 1 variant allele. Study: The Canadian Open Genetics Repository (COGR). Not counted in ClinVar's aggregate classification.
Comment: The PKD1 c.1850-4A>G variant was identified in 113 of 698 proband chromosomes (frequency: 0.162) from individuals or families with ADPKD (Bataille 2011, Garcia-Gonzalez 2007, Rossetti 2012 ). The variant was also identified in dbSNP (ID: rs35929659) â€šÃ„ÃºWith unknown alleleâ€šÃ„Ã¹, ADPKD Mutation Database (classification likely neutral), 1000 Genomes Project in 1135 of 5009 chromosomes (frequency: 0.2266), HAPMAP-AFR in 728 of 1322 chromosomes (frequency: 0.5507)/HAPMAP-AMR in 137 of 694 chromosomes (frequency: 0.1974)/HAPMAP-EUR in 185 of 1006 chromosomes (frequency: 0.1839), NHLBI GO Exome Sequencing Project (ESP) in 1196 of 8014 European American (frequency: 0.15) and in 1527 of 3938 African American alleles (frequency: 0.39), and the Exome Aggregation Consortium (ExAC) database (Jan 13, 2015) in 15580 of 82726 (1701 being homozygous) chromosomes (frequency: 0.1883) with individuals from all populations;European (Non-Finnish), East Asian, Other, African, Latino, South Asian, and European (Finnish). The c.1850-4A>G variant is located in the 3' splice region but does not affect the invariant -1 and -2 positions. However, positions -3 and -5 to -12 are part of the splicing consensus sequence and variants involving these positions sometimes affect splicing. The variant occurs outside of the splicing consensus sequence and in silico or computational prediction software programs (SpliceSiteFinder, MaxEntScan, NNSPLICE, GeneSplicer, HumanSpliceFinder) do not predict a difference in splicing. In summary, based on the above information, this variant meets our laboratory criteria to be classified as benign. REFERENCES: Bataille S, Berland Y, Fontes M, Burtey S. High Resolution Melt analysis for mutation screening in PKD1 and PKD2. BMC Nephrol. 2011 Oct 18;12:57. doi: 10.1186/1471-2369-12-57. PubMed PMID: 22008521; PubMed Central PMCID: PMC3206831. Garcia-Gonzalez MA, Jones JG, Allen SK, Palatucci CM, Batish SD, Seltzer WK, Lan Z, Allen E, Qian F, Lens XM, Pei Y, Germino GG, Watnick TJ. Evaluating the clinical utility of a molecular genetic test for polycystic kidney disease. Mol Genet Metab. 2007 Sep-Oct;92(1-2):160-7. Epub 2007 Jun 18. PubMed PMID: 17574468; PubMed Central PMCID: PMC2085355. Rossetti S, Hopp K, Sikkink RA, Sundsbak JL, Lee YK, Kubly V, Eckloff BW, Ward CJ, Winearls CG, Torres VE, Harris PC. Identification of gene mutations in autosomal dominant polycystic kidney disease through targeted resequencing. J Am Soc Nephrol. 2012 May;23(5):915-33. doi: 10.1681/ASN.2011101032. Epub 2012 Mar 1. PubMed PMID: 22383692; PubMed Central PMCID: PMC3338301.